The following is an entry in ClinVar:

ClinVar aggregate classification (germline): Pathogenic (1 of 4 stars; one submission).

Conditions:
Glutaric aciduria, type 1. Also called: Glutaric Acidemia Type 1; GA I; Glutaricacidemia Type 1; Glutaryl-CoA dehydrogenase deficiency; Glutaric acidemia type I; Glutaricaciduria, type I. Identifiers: Orphanet 25, MedGen C0268595, MONDO:0009281, OMIM 231670.

Submission:

CGC Genetics, Unilabs
Classification: Pathogenic for Glutaric aciduria, type 1. Last evaluated: 2025-12-19. Review status: criteria provided, single submitter. Criteria: ACMG Guidelines, 2015. Collection method: clinical testing. Allele origin: germline. Inheritance: Autosomal recessive inheritance. Affected: yes. Observed: 1 variant allele.
Comment: The NM_000159.4:c.489dup p.(Tyr164Valfs*24) variant, detected in probable homozygosity in the exon 6 (of 12) of the GCDH gene (chr.19) is not described in the literature nor in gnomAD and ClinVar databases. Due to its nature, a frameshift variant, it is predicted to introduce a premature stop codon, which leads to the creation of a truncated protein and/or a reduction of its expression by mRNA degradation. With the available information, this should be classified as a pathogenic variant.

NM_000159.4(GCDH):c.489dup (p.Tyr164fs)

Gene: GCDH (glutaryl-CoA dehydrogenase; plus strand). Cytogenetic location: 19p13.13.
Variant type: Duplication.
Coding change: c.489dup on transcript NM_000159.4 (MANE Select); coding-DNA position 489, one base duplicated (G; older notation c.489dupG).
Protein change: p.Tyr164fs; shifts the reading frame from tyrosine 164.
Molecular consequence: frameshift variant. On other transcripts: non-coding transcript variant (2).
Genome position (GRCh38, 1-based): chr19:12,893,637, G duplicated. VCF-style (leftmost placement, unchanged base first): chr19-12893636-A-AG. GRCh37 (hg19) VCF-style: chr19-13004450-A-AG.
Other names: c.489dup, p.Tyr164fs (NM_013976.5); short protein forms Y164fs.
Identifiers: ClinVar variation 4851597 (VCV004851597.1).
Genomic context (GRCh38, chr19:12,893,636, plus strand): 5'-TCCAGTCCTCCCTCGTCATGCACCCTATCTATGCCTATGGCAGCGAGGAACAGCGGCAGA[A>AG]GTACCTGCCCCAGCTGGGTGAGTGGCTGCCCATGGGGCCTGGTGGAAGGAAGACAGTCTC-3'